The following is an entry in ClinVar:

NM_138395.4(MARS2):c.494A>G (p.Tyr165Cys)

Gene: MARS2 (methionyl-tRNA synthetase 2, mitochondrial; plus strand). Cytogenetic location: 2q33.1.
Variant type: single nucleotide variant.
Coding change: c.494A>G on transcript NM_138395.4 (MANE Select); coding-DNA position 494, A replaced by G.
Protein change: p.Tyr165Cys; replaces tyrosine 165 with cysteine.
Molecular consequence: missense variant.
Genome position (GRCh38, 1-based): chr2:197,705,899, A>G. VCF-style: chr2-197705899-A-G. GRCh37 (hg19) VCF-style: chr2-198570623-A-G.
Other names: short protein forms Y165C.
Identifiers: ClinVar variation 1032416 (VCV001032416.4), dbSNP rs756596155, ClinGen allele CA2044591.

ClinVar aggregate classification (germline): Uncertain significance. Review status: criteria provided, multiple submitters, no conflicts (2 of 4 stars). 2 submissions from 2 submitters: Uncertain significance (2). Last evaluated 2023-08-17.

Conditions:
Combined oxidative phosphorylation defect type 25. Also called: Combined oxidative phosphorylation deficiency 25. Identifiers: Orphanet 447954, MedGen C5567742, MONDO:0014636, OMIM 616430.

Allele frequency attached by ClinVar (database versions not stated): gnomAD exomes below 0.00001 and 0.00001; TOPMed below 0.00001; ExAC 0.00001.

Submissions (2):

Labcorp Genetics (formerly Invitae), Labcorp
Classification: Uncertain significance. Last evaluated: 2023-08-17. Review status: criteria provided, single submitter. Criteria: Invitae Variant Classification Sherloc (09022015). Collection method: clinical testing. Allele origin: germline.
Comment: Advanced modeling of protein sequence and biophysical properties (such as structural, functional, and spatial information, amino acid conservation, physicochemical variation, residue mobility, and thermodynamic stability) performed at Invitae indicates that this missense variant is expected to disrupt MARS2 protein function. In summary, the available evidence is currently insufficient to determine the role of this variant in disease. Therefore, it has been classified as a Variant of Uncertain Significance. ClinVar contains an entry for this variant (Variation ID: 1032416). This variant has not been reported in the literature in individuals affected with MARS2-related conditions. This variant is present in population databases (rs756596155, gnomAD 0.0009%). This sequence change replaces tyrosine, which is neutral and polar, with cysteine, which is neutral and slightly polar, at codon 165 of the MARS2 protein (p.Tyr165Cys).

Baylor Genetics
Classification: Uncertain significance for Combined oxidative phosphorylation defect type 25. Last evaluated: 2018-10-11. Review status: criteria provided, single submitter. Criteria: ACMG Guidelines, 2015. Collection method: clinical testing. Allele origin: unknown. Affected: yes.
Comment: This variant was determined to be of uncertain significance according to ACMG Guidelines, 2015 [PMID:25741868].